The following is an entry in ClinVar:

ClinVar aggregate classification (germline): Pathogenic. Review status: criteria provided, multiple submitters, no conflicts (2 of 4 stars). 2 submissions from 2 submitters: Pathogenic (2). Last evaluated 2024-05-20.

Conditions:
Retinoblastoma (RB1). Also called: RETINOBLASTOMA, SOMATIC. Identifiers: Orphanet 790, MedGen C0035335, MeSH D012175, MONDO:0008380, OMIM 180200, HP:0009919. Disease mechanism: loss of function. Inheritance: Both sporadic and heritable forms are tested..

Submissions (2):

Genetic Diagnostic Laboratory, University of Pennsylvania School of Medicine
Classification: Pathogenic for Retinoblastoma. Last evaluated: 2024-05-20. Review status: criteria provided, single submitter. Criteria: ACMG Guidelines, 2015. Collection method: clinical testing. Allele origin: germline. Affected: yes. Observed: 1 variant allele.
Comment: Case and Pedigree Information: BILATERAL CASES:0, UNILATERAL CASES:1, TOTAL CASES:1, PEDIGREES:1. ACMG Codes Applied:PVS1, PM2

Labcorp Genetics (formerly Invitae), Labcorp
Classification: Pathogenic for Retinoblastoma. Last evaluated: 2022-11-17. Review status: criteria provided, single submitter. Criteria: Invitae Variant Classification Sherloc (09022015). Collection method: clinical testing. Allele origin: germline.
Comment: This sequence change creates a premature translational stop signal (p.Gln597*) in the RB1 gene. It is expected to result in an absent or disrupted protein product. Loss-of-function variants in RB1 are known to be pathogenic (PMID: 17096365). For these reasons, this variant has been classified as Pathogenic. ClinVar contains an entry for this variant (Variation ID: 582300). This variant has not been reported in the literature in individuals affected with RB1-related conditions. This variant is not present in population databases (gnomAD no frequency).

Literature cited by the submitters: PubMed 17096365 (cited by Labcorp Genetics (formerly Invitae), Labcorp).

NM_000321.3(RB1):c.1789C>T (p.Gln597Ter)

Gene: RB1 (RB transcriptional corepressor 1; plus strand). Cytogenetic location: 13q14.2.
Variant type: single nucleotide variant.
Coding change: c.1789C>T on transcript NM_000321.3 (MANE Select); coding-DNA position 1789, C replaced by T.
Protein change: p.Gln597Ter; replaces glutamine 597 with a stop codon.
Molecular consequence: nonsense.
Genome position (GRCh38, 1-based): chr13:48,453,086, C>T. VCF-style: chr13-48453086-C-T. GRCh37 (hg19) VCF-style: chr13-49027222-C-T.
Other names: short protein forms Q597*.
Identifiers: ClinVar variation 582300 (VCV000582300.9), dbSNP rs1566233076, ClinGen allele CA388165616.